The following is an entry in ClinVar:

NM_005026.5(PIK3CD):c.230C>T (p.Ala77Val)

Gene: PIK3CD (phosphatidylinositol-4,5-bisphosphate 3-kinase catalytic subunit delta; plus strand). Cytogenetic location: 1p36.22.
Variant type: single nucleotide variant.
Coding change: c.230C>T on transcript NM_005026.5 (MANE Select); coding-DNA position 230, C replaced by T.
Protein change: p.Ala77Val; replaces alanine 77 with valine.
Molecular consequence: missense variant.
Genome position (GRCh38, 1-based): chr1:9,715,629, C>T. VCF-style: chr1-9715629-C-T. GRCh37 (hg19) VCF-style: chr1-9775687-C-T.
Other names: c.230C>T, p.Ala77Val (NM_001350234.2, NM_001350235.1); short protein forms A77V.
Identifiers: ClinVar variation 2163051 (VCV002163051.4), dbSNP rs1570356857, ClinGen allele CA338300144.

ClinVar aggregate classification (germline): Uncertain significance (1 of 4 stars; one submission).

Conditions:
Immunodeficiency 14 (IMD14A). Also called: IMMUNODEFICIENCY 14A WITH LYMPHOPROLIFERATION, AUTOSOMAL DOMINANT; Activated PI3K Delta Syndrome Type 1 (APDS1); p110-DELTA-ACTIVATING MUTATION CAUSING SENESCENT T CELLS, LYMPHADENOPATHY, AND IMMUNODEFICIENCY; ACTIVATED PI3K-DELTA SYNDROME 1. Identifiers: Orphanet 397596, Orphanet 693661, MedGen C5907821, MONDO:0014222, OMIM 615513.

Allele frequency attached by ClinVar (database versions not stated): gnomAD 0.00001.
gnomAD v4.1: 2 of 1,613,812 alleles (0.00012%); highest among the groups gnomAD compares: South Asian, 0.0011%; no homozygotes.

Submission:

Labcorp Genetics (formerly Invitae), Labcorp
Classification: Uncertain significance for Activated PI3K-delta syndrome. Last evaluated: 2022-06-24. Review status: criteria provided, single submitter. Criteria: Invitae Variant Classification Sherloc (09022015). Collection method: clinical testing. Allele origin: germline.
Comment: This sequence change replaces alanine, which is neutral and non-polar, with valine, which is neutral and non-polar, at codon 77 of the PIK3CD protein (p.Ala77Val). This variant is not present in population databases (gnomAD no frequency). This variant has not been reported in the literature in individuals affected with PIK3CD-related conditions. Algorithms developed to predict the effect of missense changes on protein structure and function are either unavailable or do not agree on the potential impact of this missense change (SIFT: "Tolerated"; PolyPhen-2: "Probably Damaging"; Align-GVGD: "Class C0"). In summary, the available evidence is currently insufficient to determine the role of this variant in disease. Therefore, it has been classified as a Variant of Uncertain Significance.